The following is an entry in ClinVar:

NM_144997.7(FLCN):c.421A>G (p.Ile141Val)

Gene: FLCN (folliculin; minus strand). Cytogenetic location: 17p11.2.
Variant type: single nucleotide variant.
Coding change: c.421A>G on transcript NM_144997.7 (MANE Select); coding-DNA position 421, A replaced by G.
Protein change: p.Ile141Val; replaces isoleucine 141 with valine.
Molecular consequence: missense variant.
Genome position (GRCh38, 1-based): chr17:17,224,119, T>C on the plus strand (A>G on the coding strand, the complement: FLCN is on the minus strand). VCF-style: chr17-17224119-T-C. GRCh37 (hg19) VCF-style: chr17-17127433-T-C.
Other names: c.421A>G (LRG_325t1); c.475A>G, p.Ile159Val (NM_001353229.2); c.421A>G, p.Ile141Val (NM_001353230.2, NM_001353231.2, NM_144606.7); short protein forms I141V, I159V.
Identifiers: ClinVar variation 485626 (VCV000485626.14), dbSNP rs375921200, ClinGen allele CA8416401.

ClinVar aggregate classification (germline): Uncertain significance. Review status: criteria provided, multiple submitters, no conflicts (2 of 4 stars). 2 submissions from 2 submitters: Uncertain significance (2). Last evaluated 2025-10-25.

Conditions:
Hereditary cancer-predisposing syndrome. Also called: Tumor predisposition; Neoplastic Syndromes, Hereditary; Hereditary Cancer Syndrome; Hereditary neoplastic syndrome. Identifiers: Orphanet 140162, MedGen C0027672, MeSH D009386, MONDO:0015356.
Birt-Hogg-Dube syndrome. Also called: Birt Hogg Dubé syndrome. Identifiers: Orphanet 122, MedGen C0346010, MONDO:0800444.

Allele frequency attached by ClinVar (database versions not stated): ExAC 0.00001; gnomAD 0.00001; gnomAD exomes 0.00001; TOPMed 0.00001; ESP Exome Variant Server 0.00008.
gnomAD v4.1: 9 of 1,602,436 alleles (0.00056%); highest among the groups gnomAD compares: Admixed American, 0.0017%; no homozygotes.

Submissions (2):

Ambry Genetics
Classification: Uncertain significance for Hereditary cancer-predisposing syndrome. Last evaluated: 2025-10-25. Review status: criteria provided, single submitter. Criteria: Ambry Variant Classification Scheme 2023. Collection method: clinical testing. Allele origin: germline.
Comment: The p.I141V variant (also known as c.421A>G), located in coding exon 3 of the FLCN gene, results from an A to G substitution at nucleotide position 421. The isoleucine at codon 141 is replaced by valine, an amino acid with highly similar properties. This amino acid position is highly conserved in available vertebrate species. In addition, the in silico prediction for this alteration is inconclusive. Since supporting evidence is limited at this time, the clinical significance of this alteration remains unclear.

Labcorp Genetics (formerly Invitae), Labcorp
Classification: Uncertain significance for Birt-Hogg-Dube syndrome. Last evaluated: 2024-08-31. Review status: criteria provided, single submitter. Criteria: Invitae Variant Classification Sherloc (09022015). Collection method: clinical testing. Allele origin: germline.
Comment: This sequence change replaces isoleucine, which is neutral and non-polar, with valine, which is neutral and non-polar, at codon 141 of the FLCN protein (p.Ile141Val). This variant is present in population databases (rs375921200, gnomAD 0.003%). This variant has not been reported in the literature in individuals affected with FLCN-related conditions. ClinVar contains an entry for this variant (Variation ID: 485626). Invitae Evidence Modeling of protein sequence and biophysical properties (such as structural, functional, and spatial information, amino acid conservation, physicochemical variation, residue mobility, and thermodynamic stability) indicates that this missense variant is not expected to disrupt FLCN protein function with a negative predictive value of 80%. In summary, the available evidence is currently insufficient to determine the role of this variant in disease. Therefore, it has been classified as a Variant of Uncertain Significance.